The following is an entry in ClinVar:

ClinVar aggregate classification (germline): Uncertain significance (1 of 4 stars; one submission).

Conditions:
Epileptic encephalopathy. Identifiers: MedGen C0543888, HP:0200134.

Submission:

Labcorp Genetics (formerly Invitae), Labcorp
Classification: Uncertain significance for Epileptic encephalopathy. Last evaluated: 2025-03-06. Review status: criteria provided, single submitter. Criteria: Invitae Variant Classification Sherloc (09022015). Collection method: clinical testing. Allele origin: germline.
Comment: This sequence change replaces proline, which is neutral and non-polar, with leucine, which is neutral and non-polar, at codon 30 of the GABBR2 protein (p.Pro30Leu). The frequency data for this variant in the population databases is considered unreliable, as metrics indicate insufficient coverage at this position in the gnomAD database. This variant has not been reported in the literature in individuals affected with GABBR2-related conditions. Experimental studies and prediction algorithms are not available or were not evaluated, and the functional significance of this variant is currently unknown. In summary, the available evidence is currently insufficient to determine the role of this variant in disease. Therefore, it has been classified as a Variant of Uncertain Significance.

NM_005458.8(GABBR2):c.89C>T (p.Pro30Leu)

Gene: GABBR2 (gamma-aminobutyric acid type B receptor subunit 2; minus strand). Cytogenetic location: 9q22.33.
Variant type: single nucleotide variant.
Coding change: c.89C>T on transcript NM_005458.8 (MANE Select); coding-DNA position 89, C replaced by T.
Protein change: p.Pro30Leu; replaces proline 30 with leucine.
Molecular consequence: missense variant.
Genome position (GRCh38, 1-based): chr9:98,708,649, G>A on the plus strand (C>T on the coding strand, the complement: GABBR2 is on the minus strand). VCF-style: chr9-98708649-G-A. GRCh37 (hg19) VCF-style: chr9-101470931-G-A.
Other names: short protein forms P30L.
Identifiers: ClinVar variation 4714526 (VCV004714526.1).